The following is an entry in ClinVar:

ClinVar aggregate classification (germline): Uncertain significance (1 of 4 stars; one submission).

Conditions:
Inborn genetic diseases. Identifiers: MedGen C0950123, MeSH D030342.

gnomAD v4.1: 1 of 1,611,966 alleles (0.000062%); no homozygotes.

Submission:

Ambry Genetics
Classification: Uncertain significance for Inborn genetic diseases. Last evaluated: 2024-11-23. Review status: criteria provided, single submitter. Criteria: Ambry Variant Classification Scheme 2023. Collection method: clinical testing. Allele origin: germline.
Comment: The p.N241D variant (also known as c.721A>G), located in coding exon 7 of the CEP57 gene, results from an A to G substitution at nucleotide position 721. The asparagine at codon 241 is replaced by aspartic acid, an amino acid with highly similar properties. This amino acid position is conserved. In addition, this alteration is predicted to be tolerated by in silico analysis. Based on the available evidence, the clinical significance of this variant remains unclear.

NM_014679.5(CEP57):c.721A>G (p.Asn241Asp)

Gene: CEP57 (centrosomal protein 57; plus strand). Cytogenetic location: 11q21.
Variant type: single nucleotide variant.
Coding change: c.721A>G on transcript NM_014679.5 (MANE Select); coding-DNA position 721, A replaced by G.
Protein change: p.Asn241Asp; replaces asparagine 241 with aspartic acid.
Molecular consequence: missense variant.
Genome position (GRCh38, 1-based): chr11:95,821,892, A>G. VCF-style: chr11-95821892-A-G. GRCh37 (hg19) VCF-style: chr11-95555056-A-G.
Other names: c.694A>G, p.Asn232Asp (NM_001243776.2); c.721A>G, p.Asn241Asp (NM_001243777.2); c.640A>G, p.Asn214Asp (NM_001363604.2); short protein forms N214D, N232D, N241D.
Identifiers: ClinVar variation 3490827 (VCV003490827.1).